The following is an entry in ClinVar:

NM_015041.3(CLUAP1):c.571G>C (p.Glu191Gln)

Gene: CLUAP1 (clusterin associated protein 1; plus strand). Cytogenetic location: 16p13.3.
Variant type: single nucleotide variant.
Coding change: c.571G>C on transcript NM_015041.3 (MANE Select); coding-DNA position 571, G replaced by C.
Protein change: p.Glu191Gln; replaces glutamic acid 191 with glutamine.
Molecular consequence: missense variant.
Genome position (GRCh38, 1-based): chr16:3,515,583, G>C. VCF-style: chr16-3515583-G-C. GRCh37 (hg19) VCF-style: chr16-3565583-G-C.
Other names: c.571G>C, p.Glu191Gln (NM_001330454.2); c.73G>C, p.Glu25Gln (NM_024793.3); short protein forms E191Q, E25Q.
Identifiers: ClinVar variation 962009 (VCV000962009.9), dbSNP rs2037714705, ClinGen allele CA394513053.
Genomic context (GRCh38, chr16:3,515,583, plus strand): 5'-GCCATTGCCAGACCTCTGGAAATAAACGAGACTGAAAAAGTGATGAGAATTGCAATAAAA[G>C]AGATTTTGGTAAGATGACTTTGCTTTTATATAATGTTTTTTATGCCTGGGATTCAAAAAT-3'
Protein context (NP_055856.1, residues 181-201): TEKVMRIAIK[Glu191Gln]ILTQVQKTKD

ClinVar aggregate classification (germline): Uncertain significance (1 of 4 stars; one submission).

Submission:

Labcorp Genetics (formerly Invitae), Labcorp
Classification: Uncertain significance. Last evaluated: 2022-03-10. Review status: criteria provided, single submitter. Criteria: Invitae Variant Classification Sherloc (09022015). Collection method: clinical testing. Allele origin: germline.
Comment: This sequence change replaces glutamic acid, which is acidic and polar, with glutamine, which is neutral and polar, at codon 191 of the CLUAP1 protein (p.Glu191Gln). This variant has not been reported in the literature in individuals affected with CLUAP1-related conditions. In summary, the available evidence is currently insufficient to determine the role of this variant in disease. Therefore, it has been classified as a Variant of Uncertain Significance. Algorithms developed to predict the effect of missense changes on protein structure and function (SIFT, PolyPhen-2, Align-GVGD) all suggest that this variant is likely to be tolerated. ClinVar contains an entry for this variant (Variation ID: 962009). This variant is not present in population databases (gnomAD no frequency).